The following is an entry in ClinVar:

ClinVar aggregate classification (germline): Pathogenic (1 of 4 stars; one submission).

Conditions:
Primary ciliary dyskinesia. Also called: Ciliary dyskinesia. Identifiers: Orphanet 244, MedGen C0008780, MONDO:0016575, HP:0012265.

Submission:

Labcorp Genetics (formerly Invitae), Labcorp
Classification: Pathogenic for Primary ciliary dyskinesia. Last evaluated: 2020-10-27. Review status: criteria provided, single submitter. Criteria: Invitae Variant Classification Sherloc (09022015). Collection method: clinical testing. Allele origin: germline.
Comment: This variant is not present in population databases (ExAC no frequency). For these reasons, this variant has been classified as Pathogenic. Donor and acceptor splice site variants typically lead to a loss of protein function (PMID: 16199547), and loss-of-function variants in DNAH11 are known to be pathogenic (PMID: 18022865, 20513915, 22184204). Algorithms developed to predict the effect of sequence changes on RNA splicing suggest that this variant may disrupt the consensus splice site, but this prediction has not been confirmed by published transcriptional studies. Disruption of this splice site has been observed in individual(s) with clinical features of primary ciliary dyskinesia (Invitae). This sequence change affects a donor splice site in intron 34 of the DNAH11 gene. It is expected to disrupt RNA splicing and likely results in an absent or disrupted protein product.

Literature cited by the submitters: PubMed 16199547; PubMed 18022865; PubMed 20513915; PubMed 22184204.

NM_001277115.2(DNAH11):c.5924+2T>A

Gene: DNAH11 (dynein axonemal heavy chain 11; plus strand). Cytogenetic location: 7p15.3.
Variant type: single nucleotide variant.
Coding change: c.5924+2T>A on transcript NM_001277115.2 (MANE Select); the canonical splice donor site of the intron after coding-DNA position 5924, T replaced by A.
Molecular consequence: splice donor variant.
Genome position (GRCh38, 1-based): chr7:21,687,529, T>A. VCF-style: chr7-21687529-T-A. GRCh37 (hg19) VCF-style: chr7-21727147-T-A.
Identifiers: ClinVar variation 1076012 (VCV001076012.9), dbSNP rs2128474056, ClinGen allele CA366949891.
Genomic context (GRCh38, chr7:21,687,529, plus strand): 5'-TCAGTGGTGGCAGTACAAGTGAAAATGATTCATGATGCCATCAGAAACAGGAAGAAGAGG[T>A]GAGTGGCATGCAGGCTATCTCTTGTTACAAATAGAAAAACATGGAATAATGCAGGTAACC-3'